The following is an entry in ClinVar:

ClinVar aggregate classification (germline): Pathogenic. Review status: criteria provided, multiple submitters, no conflicts (2 of 4 stars). 5 submissions from 5 submitters: Pathogenic (4). 1 of the submissions does not count toward it. Last evaluated 2025-06-11.

Conditions:
Leukodystrophy, hypomyelinating, 26, with chondrodysplasia (HLD26). Also called: CHONDRODYSPLASIA WITH HYPOMYELINATING LEUKODYSTROPHY. Identifiers: MedGen C5830312, MONDO:0859518, OMIM 620269.

Submissions (5):

Undiagnosed Diseases Network, NIH
Classification: Pathogenic for Leukodystrophy, hypomyelinating, 26, with chondrodysplasia. Last evaluated: 2025-06-11. Review status: criteria provided, single submitter. Criteria: ACMG Guidelines, 2015. Collection method: clinical testing. Allele origin: paternal. Affected: yes. Observed: 1 variant allele, 1 compound heterozygote. Study: Undiagnosed Diseases Network (NIH), UDN.

Genetics and Genomic Medicine Centre, NeuroGen Healthcare, NeuroGen Healthcare
Classification: Pathogenic for Leukodystrophy, hypomyelinating, 26, with chondrodysplasia. Last evaluated: 2024-05-06. Review status: criteria provided, single submitter. Criteria: ACMG Guidelines, 2015. Collection method: clinical testing. Allele origin: unknown. Affected: yes.

3billion
Classification: Pathogenic for Leukodystrophy, hypomyelinating, 26, with chondrodysplasia. Last evaluated: 2023-12-03. Review status: criteria provided, single submitter. Criteria: ACMG Guidelines, 2015. Collection method: clinical testing. Allele origin: germline. Affected: yes.
Comment: The variant is observed at an extremely low frequency in the gnomAD v2.1.1 dataset (total allele frequency: 0.002%). Predicted Consequence/Location: Frameshift: predicted to result in a loss or disruption of normal protein function through protein truncation. Multiple pathogenic variants are reported in the predicted truncated region. Functional studies provide moderate evidence of the variant having a damaging effect on the gene or gene product (PMID: 35325049). The variant has been reported at least twice as pathogenic without evidence for the classification (ClinVar ID: VCV002443960 /PMID: 35325049). Therefore, this variant is classified as Pathogenic according to the recommendation of ACMG/AMP guideline.

Neurometabolic Diseases Laboratory, Bellvitge Biomedical Research Institute (IDIBELL)
Classification: Pathogenic for Leukodystrophy, hypomyelinating, 26, with chondrodysplasia. Last evaluated: 2023-04-27. Review status: criteria provided, single submitter. Criteria: ACMG Guidelines, 2015. Collection method: research. Allele origin: germline. Affected: yes.

OMIM
Classification: Pathogenic for LEUKODYSTROPHY, HYPOMYELINATING, 26, WITH CHONDRODYSPLASIA. Last evaluated: 2023-02-28. Review status: no assertion criteria provided. Collection method: literature only. Allele origin: germline. Not counted in ClinVar's aggregate classification.

Literature cited by the submitters: PubMed 35325049 (cited by 3billion and OMIM).

NM_178148.4(SLC35B2):c.1224_1225del (p.Arg408fs)

Gene: SLC35B2 (solute carrier family 35 member B2; minus strand). Cytogenetic location: 6p21.1.
Variant type: Microsatellite.
Coding change: c.1224_1225del on transcript NM_178148.4 (MANE Select); coding-DNA positions 1224 to 1225, 2 bases deleted (AG; older notation c.1224_1225delAG).
Protein change: p.Arg408fs; shifts the reading frame from arginine 408.
Molecular consequence: frameshift variant.
Genome position (GRCh38, 1-based): chr6:44,254,780-44,254,781, CT deleted on the plus strand (AG on the coding strand, the reverse complement: SLC35B2 is on the minus strand); deleting any 2 consecutive bases within chr6:44,254,780-44,254,783 gives the same sequence; the c. name uses the placement nearest the transcript's 3' end. VCF-style (leftmost placement, unchanged base first): chr6-44254779-ACT-A. GRCh37 (hg19) VCF-style: chr6-44222516-ACT-A.
Other names: p.Arg408Serfs*18; c.1224_1225delAG (NM_178148.4); c.1209_1210del, p.Arg403fs (NM_001286509.2, NM_001286510.2); c.1077_1078del, p.Arg359fs (NM_001286511.2, NM_001286512.2); c.945_946del, p.Arg315fs (NM_001286513.2); c.909_910del, p.Arg303fs (NM_001286517.2); c.825_826del, p.Arg275fs (NM_001286519.2, NM_001286520.2); short protein forms R275fs, R303fs, R315fs, R359fs, R403fs, R408fs.
Identifiers: ClinVar variation 2443960 (VCV002443960.30), dbSNP rs757164153, ClinGen allele CA3832698.